The following is an entry in ClinVar:

NM_000218.3(KCNQ1):c.1442G>A (p.Arg481Lys)

Genes: KCNQ1 (potassium voltage-gated channel subfamily Q member 1; plus strand), KCNQ1OT1 (KCNQ1 opposite strand/antisense transcript 1; minus strand). Cytogenetic location: 11p15.5.
Variant type: single nucleotide variant.
Coding change: c.1442G>A on transcript NM_000218.3 (MANE Select); coding-DNA position 1442, G replaced by A.
Protein change: p.Arg481Lys; replaces arginine 481 with lysine.
Molecular consequence: missense variant.
Genome position (GRCh38, 1-based): chr11:2,662,009, G>A. VCF-style: chr11-2662009-G-A. GRCh37 (hg19) VCF-style: chr11-2683239-G-A.
Other names: c.1346G>A, p.Arg449Lys (NM_001406836.1); c.1172G>A, p.Arg391Lys (NM_001406837.1); c.902G>A, p.Arg301Lys (NM_001406838.1); c.1061G>A, p.Arg354Lys (NM_181798.2); short protein forms R354K, R481K, R301K, R391K, R449K.
Identifiers: ClinVar variation 927990 (VCV000927990.6), dbSNP rs1423068748, ClinGen allele CA379479546.

ClinVar aggregate classification (germline): Uncertain significance (1 of 4 stars; one submission).

Conditions:
Cardiac arrhythmia. Also called: Cardiac rhythm disease; Arrhythmia. Identifiers: MedGen C0003811, MONDO:0007263, HP:0011675.

Submission:

Color Diagnostics, LLC DBA Color Health
Classification: Uncertain significance for Cardiac arrhythmia. Last evaluated: 2019-08-28. Review status: criteria provided, single submitter. Criteria: ACMG Guidelines, 2015. Collection method: clinical testing. Allele origin: germline.
Comment: This missense variant replaces arginine with lysine at codon 481 of the KCNQ1 protein. Computational prediction tools and conservation analyses are inconclusive regarding the impact of this variant on protein structure and function. Splice site prediction tools suggest that this variant may not impact RNA splicing. To our knowledge, functional studies have not been performed for this variant. This variant has not been reported in individuals affected with cardiovascular disorders in the literature. This variant has not been identified in the general population by the Genome Aggregation Database (gnomAD). The available evidence is insufficient to determine the role of this variant in disease conclusively. Therefore, this variant is classified as a Variant of Uncertain Significance.